The following is an entry in ClinVar:

ClinVar aggregate classification (germline): Likely benign. Review status: criteria provided, single submitter (1 of 4 stars). 2 submissions from 2 submitters: Likely benign (1). 1 of the submissions does not count toward it. Last evaluated 2023-02-24.

Conditions:
Hypercholesterolemia, autosomal dominant, 3 (FHCL3). Also called: Familial hypercholesterolemia 3; PCSK9-Related Familial Hypercholesterolemia, Autosomal Dominant; Familial Hypercholesterolemia, Autosomal Dominant, 3. Identifiers: MedGen C1863551, MONDO:0011369, OMIM 603776.
Low density lipoprotein cholesterol level quantitative trait locus 1 (LDLCQ1). Identifiers: MedGen C3276239.

Submissions (2):

All of Us Research Program, National Institutes of Health
Classification: Likely benign for Hypercholesterolemia, autosomal dominant, 3. Last evaluated: 2023-02-24. Review status: criteria provided, single submitter. Criteria: ACMG Guidelines, 2015. Collection method: clinical testing. Allele origin: germline. Inheritance: Autosomal dominant inheritance. Observed: 1 variant allele, 1 heterozygote.
Comment: This study involves interpretation of variants in research participants for the purpose of population health screening. Participant phenotype was not available at the time of variant classification. Additional details can be found in publication PMID: 35346344, PMCID: PMC8962531

OMIM
Classification: association for LOW DENSITY LIPOPROTEIN CHOLESTEROL LEVEL QUANTITATIVE TRAIT LOCUS 1. Last evaluated: 2006-09-01. Review status: no assertion criteria provided. Collection method: literature only. Allele origin: germline. Not counted in ClinVar's aggregate classification.

Literature cited by the submitters: PubMed 16909389 (cited by OMIM).

NM_174936.4(PCSK9):c.287GCC[1] (p.Arg97del)

Gene: PCSK9 (proprotein convertase subtilisin/kexin type 9; plus strand). Cytogenetic location: 1p32.3.
Variant type: Microsatellite.
Coding change: c.287GCC[1] on transcript NM_174936.4 (MANE Select); one copy of the 3-base unit GCC starting at c.287; the reference has two copies in a row; one copy, 3 bases deleted.
Protein change: p.Arg97del; deletes arginine 97.
Molecular consequence: inframe deletion.
Genome position (GRCh38, 1-based): chr1:55,043,925-55,043,927, GCC deleted; deleting any 3 consecutive bases within chr1:55,043,920-55,043,927 gives the same sequence; the position shown is the placement nearest the transcript's 3' end. VCF-style (leftmost placement, unchanged base first): chr1-55043919-CCCG-C. GRCh37 (hg19) VCF-style: chr1-55509592-CCCG-C.
Other names: short protein forms R97del.
Identifiers: ClinVar variation 2880 (VCV000002880.4), dbSNP rs587776545, ClinGen allele CA023148.